The following is an entry in ClinVar:

NM_000038.6(APC):c.5893C>T (p.His1965Tyr)

Gene: APC (APC regulator of Wnt signaling pathway; plus strand). Cytogenetic location: 5q22.2.
Variant type: single nucleotide variant.
Coding change: c.5893C>T on transcript NM_000038.6 (MANE Select); coding-DNA position 5893, C replaced by T.
Protein change: p.His1965Tyr; replaces histidine 1965 with tyrosine.
Molecular consequence: missense variant.
Genome position (GRCh38, 1-based): chr5:112,841,487, C>T. VCF-style: chr5-112841487-C-T. GRCh37 (hg19) VCF-style: chr5-112177184-C-T.
Other names: c.5893C>T, p.His1965Tyr (NM_001127510.3, NM_001354895.2); c.5839C>T, p.His1947Tyr (NM_001127511.3); c.5947C>T, p.His1983Tyr (NM_001354896.2); c.5923C>T, p.His1975Tyr (NM_001354897.2); c.5818C>T, p.His1940Tyr (NM_001354898.2); c.5809C>T, p.His1937Tyr (NM_001354899.2); c.5770C>T, p.His1924Tyr (NM_001354900.2); c.5716C>T, p.His1906Tyr (NM_001354901.2); and 5 more; short protein forms H1937Y, H1983Y, H1805Y, H1924Y, H1965Y, H1839Y, H1864Y, H1940Y.
Identifiers: ClinVar variation 665612 (VCV000665612.56), dbSNP rs1385926024, ClinGen allele CA16034227.

ClinVar aggregate classification (germline): Conflicting classifications of pathogenicity. Review status: criteria provided, conflicting classifications (1 of 4 stars). 4 submissions from 4 submitters: Uncertain significance (3); Likely benign (1). Last evaluated 2024-05-26.

Conditions:
Hereditary cancer-predisposing syndrome. Also called: Tumor predisposition; Hereditary neoplastic syndrome; Neoplastic Syndromes, Hereditary; Hereditary Cancer Syndrome. Identifiers: Orphanet 140162, MedGen C0027672, MeSH D009386, MONDO:0015356.
Familial adenomatous polyposis 1 (FAP1). Also called: POLYPOSIS, ADENOMATOUS INTESTINAL; FAMILIAL ADENOMATOUS POLYPOSIS 1, ATTENUATED. Identifiers: MedGen C2713442, MONDO:0021056, OMIM 175100. Disease mechanism: loss of function.

Allele frequency attached by ClinVar (database versions not stated): gnomAD exomes 0.00001.

Submissions (4):

Labcorp Genetics (formerly Invitae), Labcorp
Classification: Uncertain significance for Familial adenomatous polyposis 1. Last evaluated: 2024-05-26. Review status: criteria provided, single submitter. Criteria: Invitae Variant Classification Sherloc (09022015). Collection method: clinical testing. Allele origin: germline.
Comment: This sequence change replaces histidine, which is basic and polar, with tyrosine, which is neutral and polar, at codon 1965 of the APC protein (p.His1965Tyr). This variant is present in population databases (no rsID available, gnomAD 0.009%). This variant has not been reported in the literature in individuals affected with APC-related conditions. ClinVar contains an entry for this variant (Variation ID: 665612). Advanced modeling of protein sequence and biophysical properties (such as structural, functional, and spatial information, amino acid conservation, physicochemical variation, residue mobility, and thermodynamic stability) performed at Invitae indicates that this missense variant is not expected to disrupt APC protein function with a negative predictive value of 95%. In summary, the available evidence is currently insufficient to determine the role of this variant in disease. Therefore, it has been classified as a Variant of Uncertain Significance.

GeneDx
Classification: Uncertain significance. Last evaluated: 2024-02-23. Review status: criteria provided, single submitter. Criteria: GeneDx Variant Classification Process June 2021. Collection method: clinical testing. Allele origin: germline. Affected: yes.
Comment: Not observed at significant frequency in large population cohorts (gnomAD); In silico analysis supports that this missense variant does not alter protein structure/function; Has not been previously published as pathogenic or benign to our knowledge; This variant is associated with the following publications: (PMID: 18199528)

Ambry Genetics
Classification: Likely benign for Hereditary cancer-predisposing syndrome. Last evaluated: 2023-08-04. Review status: criteria provided, single submitter. Criteria: Ambry Variant Classification Scheme 2023. Collection method: clinical testing. Allele origin: germline.

Quest Diagnostics Nichols Institute San Juan Capistrano
Classification: Uncertain significance. Last evaluated: 2021-07-27. Review status: criteria provided, single submitter. Criteria: Quest Diagnostics criteria. Collection method: clinical testing. Allele origin: unknown.